The following is an entry in ClinVar:

NM_018117.12(WDR11):c.3023G>A (p.Gly1008Asp)

Gene: WDR11 (WD repeat domain 11; plus strand). Cytogenetic location: 10q26.12.
Variant type: single nucleotide variant.
Coding change: c.3023G>A on transcript NM_018117.12 (MANE Select); coding-DNA position 3023, G replaced by A.
Protein change: p.Gly1008Asp; replaces glycine 1008 with aspartic acid.
Molecular consequence: missense variant.
Genome position (GRCh38, 1-based): chr10:120,904,138, G>A. VCF-style: chr10-120904138-G-A. GRCh37 (hg19) VCF-style: chr10-122663650-G-A.
Other names: short protein forms G1008D.
Identifiers: ClinVar variation 3602594 (VCV003602594.1).

ClinVar aggregate classification (germline): Uncertain significance (1 of 4 stars; one submission).

Conditions:
Hypogonadotropic hypogonadism 14 with or without anosmia (HH14). Also called: HYPOGONADOTROPIC HYPOGONADISM 14 WITHOUT ANOSMIA. Identifiers: Orphanet 478, MedGen C3540450, MONDO:0013926, OMIM 614858.
Intellectual developmental disorder, autosomal recessive 78 (MRT78). Identifiers: MedGen C5830269, MONDO:0859373, OMIM 620237.

gnomAD v4.1: 118 of 1,608,918 alleles (0.0073%); highest among the groups gnomAD compares: Non-Finnish European, 0.0094%; no homozygotes.

Submission:

Clinical Genomics Laboratory, Washington University in St. Louis
Classification: Uncertain significance for Intellectual developmental disorder, autosomal recessive 78; Hypogonadotropic hypogonadism 14 with or without anosmia. Last evaluated: 2025-01-03. Review status: criteria provided, single submitter. Criteria: ACMG Guidelines, 2015. Collection method: clinical testing. Allele origin: germline.
Comment: The WDR11 c.3023G>A (p.Gly1008Asp) variant, to our knowledge, has not been reported in the medical literature. This variant is only observed on 8 out of 282,462 alleles in the general population (gnomAD v.2.1.1), indicating it is not a common variant. Computational predictors indicate that the variant is damaging, evidence that may correlate with impact to WDR11 function. Due to limited information, and based on ACMG/AMP guidelines for variant interpretation (Richards S et al., PMID: 25741868), the clinical significance of this variant is uncertain at this time